The following is an entry in ClinVar:

NM_030777.4(SLC2A10):c.1415C>T (p.Thr472Ile)

Gene: SLC2A10 (solute carrier family 2 member 10; plus strand). Cytogenetic location: 20q13.12.
Variant type: single nucleotide variant.
Coding change: c.1415C>T on transcript NM_030777.4 (MANE Select); coding-DNA position 1415, C replaced by T.
Protein change: p.Thr472Ile; replaces threonine 472 with isoleucine.
Molecular consequence: missense variant.
Genome position (GRCh38, 1-based): chr20:46,729,356, C>T. VCF-style: chr20-46729356-C-T. GRCh37 (hg19) VCF-style: chr20-45357995-C-T.
Other names: p.T472I:ACC>ATC; short protein forms T472I.
Identifiers: ClinVar variation 213739 (VCV000213739.23), dbSNP rs563376340, ClinGen allele CA323067.

ClinVar aggregate classification (germline): Conflicting classifications of pathogenicity. Review status: criteria provided, conflicting classifications (1 of 4 stars). 4 submissions from 4 submitters: Uncertain significance (3); Likely benign (1). Last evaluated 2026-01-24.

Conditions:
Familial thoracic aortic aneurysm and aortic dissection (TAAD). Also called: Thoracic aortic aneurysms and dissections. Identifiers: Orphanet 91387, MedGen C4707243, MONDO:0019625.
Arterial tortuosity syndrome (ATORS). Identifiers: Orphanet 3342, MedGen C1859726, MONDO:0008818, OMIM 208050.

Allele frequency attached by ClinVar (database versions not stated): gnomAD 0.00061 and 0.00060; TOPMed 0.00063; gnomAD exomes 0.00005 and 0.00020; ExAC 0.00006; 1000 Genomes Project 30x 0.00047; 1000 Genomes Project 0.00060.

Submissions (4):

Labcorp Genetics (formerly Invitae), Labcorp
Classification: Likely benign for Arterial tortuosity syndrome. Last evaluated: 2026-01-24. Review status: criteria provided, single submitter. Criteria: Invitae Variant Classification Sherloc (09022015). Collection method: clinical testing. Allele origin: germline.

Ambry Genetics
Classification: Uncertain significance for Familial thoracic aortic aneurysm and aortic dissection. Last evaluated: 2025-10-14. Review status: criteria provided, single submitter. Criteria: Ambry Variant Classification Scheme 2023. Collection method: clinical testing. Allele origin: germline.
Comment: The p.T472I variant (also known as c.1415C>T), located in coding exon 4 of the SLC2A10 gene, results from a C to T substitution at nucleotide position 1415. The threonine at codon 472 is replaced by isoleucine, an amino acid with similar properties. This amino acid position is poorly conserved in available vertebrate species. In addition, this alteration is predicted to be tolerated by in silico analysis. Since supporting evidence is limited at this time, the clinical significance of this alteration remains unclear.

GeneDx
Classification: Uncertain significance. Last evaluated: 2025-09-24. Review status: criteria provided, single submitter. Criteria: GeneDx Variant Classification Process June 2021. Collection method: clinical testing. Allele origin: germline. Affected: yes.
Comment: In silico analysis suggests that this missense variant does not alter protein structure/function; Has not been previously published as pathogenic or benign to our knowledge

Blueprint Genetics
Classification: Uncertain significance. Last evaluated: 2021-06-11. Review status: criteria provided, single submitter. Criteria: ACMG Guidelines, 2015. Collection method: clinical testing. Allele origin: germline.